The following is an entry in ClinVar:

NM_001289104.2(PRKCSH):c.762+4C>T

Gene: PRKCSH (PRKCSH beta subunit of glucosidase II; plus strand). Cytogenetic location: 19p13.2.
Variant type: single nucleotide variant.
Coding change: c.762+4C>T on transcript NM_001289104.2 (MANE Select); 4 bases into the intron after coding-DNA position 762, C replaced by T.
Molecular consequence: intron variant.
Genome position (GRCh38, 1-based): chr19:11,446,354, C>T. VCF-style: chr19-11446354-C-T. GRCh37 (hg19) VCF-style: chr19-11557169-C-T.
Other names: c.762+4C>T (NM_001289103.2, NM_001379609.1, NM_001379608.1 and 3 more transcripts).
Identifiers: ClinVar variation 1954691 (VCV001954691.5), dbSNP rs1970298304, ClinGen allele CA2322939601.

ClinVar aggregate classification (germline): Uncertain significance (1 of 4 stars; one submission).

gnomAD v4.1: 7 of 1,611,752 alleles (0.00043%); highest among the groups gnomAD compares: East Asian, 0.0022%; no homozygotes.

Submission:

Labcorp Genetics (formerly Invitae), Labcorp
Classification: Uncertain significance. Last evaluated: 2022-11-08. Review status: criteria provided, single submitter. Criteria: Invitae Variant Classification Sherloc (09022015). Collection method: clinical testing. Allele origin: germline.
Comment: In summary, the available evidence is currently insufficient to determine the role of this variant in disease. Therefore, it has been classified as a Variant of Uncertain Significance. Variants that disrupt the consensus splice site are a relatively common cause of aberrant splicing (PMID: 17576681, 9536098). Algorithms developed to predict the effect of sequence changes on RNA splicing suggest that this variant is not likely to affect RNA splicing. This variant has not been reported in the literature in individuals affected with PRKCSH-related conditions. This variant is not present in population databases (gnomAD no frequency). This sequence change falls in intron 9 of the PRKCSH gene. It does not directly change the encoded amino acid sequence of the PRKCSH protein. It affects a nucleotide within the consensus splice site.

Literature cited by the submitters: PubMed 17576681; PubMed 9536098.